The following is an entry in ClinVar:

ClinVar aggregate classification (germline): Uncertain significance (1 of 4 stars; one submission).

Allele frequency attached by ClinVar (database versions not stated): gnomAD 0.00001; gnomAD exomes 0.00001; TOPMed 0.00001; ExAC 0.00002; 1000 Genomes Project 30x 0.00016; 1000 Genomes Project 0.00020.
gnomAD v4.1: 8 of 1,517,522 alleles (0.00053%); highest among the groups gnomAD compares: African/African-American, 0.0014%; no homozygotes.

Submission:

Labcorp Genetics (formerly Invitae), Labcorp
Classification: Uncertain significance. Last evaluated: 2025-11-03. Review status: criteria provided, single submitter. Criteria: Invitae Variant Classification Sherloc (09022015). Collection method: clinical testing. Allele origin: germline.
Comment: This sequence change replaces proline, which is neutral and non-polar, with leucine, which is neutral and non-polar, at codon 889 of the TUBGCP6 protein (p.Pro889Leu). This variant is present in population databases (rs201179290, gnomAD 0.007%). This variant has not been reported in the literature in individuals affected with TUBGCP6-related conditions. ClinVar contains an entry for this variant (Variation ID: 1922790). An algorithm developed to predict the effect of missense changes on protein structure and function outputs the following: PolyPhen-2: "Benign". The leucine amino acid residue is found in multiple mammalian species, which suggests that this missense change does not adversely affect protein function. In summary, the available evidence is currently insufficient to determine the role of this variant in disease. Therefore, it has been classified as a Variant of Uncertain Significance.

NM_020461.4(TUBGCP6):c.2666C>T (p.Pro889Leu)

Gene: TUBGCP6 (tubulin gamma complex component 6; minus strand). Cytogenetic location: 22q13.33.
Variant type: single nucleotide variant.
Coding change: c.2666C>T on transcript NM_020461.4 (MANE Select); coding-DNA position 2666, C replaced by T.
Protein change: p.Pro889Leu; replaces proline 889 with leucine.
Molecular consequence: missense variant.
Genome position (GRCh38, 1-based): chr22:50,221,693, G>A on the plus strand (C>T on the coding strand, the complement: TUBGCP6 is on the minus strand). VCF-style: chr22-50221693-G-A. GRCh37 (hg19) VCF-style: chr22-50660122-G-A.
Other names: short protein forms P889L.
Identifiers: ClinVar variation 1922790 (VCV001922790.5), dbSNP rs201179290, ClinGen allele CA10308146.